The following is an entry in ClinVar:

NM_138694.4(PKHD1):c.5236+1G>C

Genes: PKHD1 (PKHD1 ciliary IPT domain containing fibrocystin/polyductin; minus strand), LOC126859690 (MED14-independent group 3 enhancer GRCh37_chr6:51888848-51890047; plus strand). Cytogenetic location: 6p12.2.
Variant type: single nucleotide variant.
Coding change: c.5236+1G>C on transcript NM_138694.4 (MANE Select); the canonical splice donor site of the intron after coding-DNA position 5236, G replaced by C.
Molecular consequence: splice donor variant.
Genome position (GRCh38, 1-based): chr6:52,024,573, C>G on the plus strand (G>C on the coding strand, the complement: PKHD1 is on the minus strand). VCF-style: chr6-52024573-C-G. GRCh37 (hg19) VCF-style: chr6-51889371-C-G.
Other names: c.5236+1G>C (NM_170724.3, NM_138694.3).
Identifiers: ClinVar variation 2677821 (VCV002677821.3), dbSNP rs398124487, ClinGen allele CA364427988.
Genomic context (GRCh38, chr6:52,024,573, plus strand): 5'-TGAAAGGAGCTACCAATTCATTTACATAAAGAAAGTGTGCTGTCTTATTTGCTTGACTTA[C>G]CGAAGTTCTCCGTCACTGCTGTAATAATAACTCTTGAGGTGAACACCAGGGCAGATGAGG-3'

ClinVar aggregate classification (germline): Likely pathogenic. Review status: criteria provided, multiple submitters, no conflicts (2 of 4 stars). 2 submissions from 2 submitters: Likely pathogenic (2). Last evaluated 2024-04-23.

Conditions:
Autosomal recessive polycystic kidney disease (ARPKD). Also called: AR polycystic kidney disease. Identifiers: Orphanet 731, Orphanet 8378, MedGen C0085548, MeSH D017044, MONDO:0009889.
Polycystic kidney disease 4 (PKD4). Also called: POLYCYSTIC KIDNEY AND HEPATIC DISEASE 1; POLYCYSTIC KIDNEY DISEASE, INFANTILE, TYPE I; PKD3; POLYCYSTIC KIDNEY DISEASE 4 WITH OR WITHOUT POLYCYSTIC LIVER DISEASE; Autosomal Recessive Polycystic Kidney Disease – PKHD1. Identifiers: MedGen C4540575, MONDO:0033004, OMIM 263200.

Submissions (2):

Natera, Inc.
Classification: Likely pathogenic for Autosomal recessive polycystic kidney disease. Last evaluated: 2024-04-23. Review status: criteria provided, single submitter. Criteria: Natera Variant Classification Schema (03/2026). Collection method: clinical testing. Allele origin: germline.
Comment: The c.5236+1G>C variant in PKHD1 is a canonical splice donor site variant predicted to affect pre-mRNA splicing, which may result in an abnormal transcript and altered protein product. This variant is expected to result in nonsense mediated decay, truncation, or a dysfunctional protein product. This variant is rare in the general population with a frequency below the threshold expected for the associated phenotype(s). Given the available evidence, this variant is classified as Likely Pathogenic.

Baylor Genetics
Classification: Likely pathogenic for Polycystic kidney disease 4. Last evaluated: 2023-11-29. Review status: criteria provided, single submitter. Criteria: ACMG Guidelines, 2015. Collection method: clinical testing. Allele origin: unknown.